The following is an entry in ClinVar:

ClinVar aggregate classification (germline): Uncertain significance (1 of 4 stars; one submission).

Conditions:
Nephronophthisis. Also called: Juvenile Nephronophthisis. Identifiers: Orphanet 655, MedGen C0687120, MONDO:0019005, HP:0000090.

gnomAD v4.1: 1 of 1,582,338 alleles (0.000063%); highest among the groups gnomAD compares: East Asian, 0.0023%; no homozygotes.

Submission:

Labcorp Genetics (formerly Invitae), Labcorp
Classification: Uncertain significance for Nephronophthisis. Last evaluated: 2022-01-31. Review status: criteria provided, single submitter. Criteria: Invitae Variant Classification Sherloc (09022015). Collection method: clinical testing. Allele origin: germline.
Comment: In summary, the available evidence is currently insufficient to determine the role of this variant in disease. Therefore, it has been classified as a Variant of Uncertain Significance. Algorithms developed to predict the effect of missense changes on protein structure and function are either unavailable or do not agree on the potential impact of this missense change (SIFT: "Tolerated"; PolyPhen-2: "Possibly Damaging"; Align-GVGD: "Class C0"). This variant has not been reported in the literature in individuals affected with NPHP4-related conditions. This variant is not present in population databases (gnomAD no frequency). This sequence change replaces alanine, which is neutral and non-polar, with serine, which is neutral and polar, at codon 509 of the NPHP4 protein (p.Ala509Ser).

NM_015102.5(NPHP4):c.1525G>T (p.Ala509Ser)

Gene: NPHP4 (nephrocystin 4; minus strand). Cytogenetic location: 1p36.31.
Variant type: single nucleotide variant.
Coding change: c.1525G>T on transcript NM_015102.5 (MANE Select); coding-DNA position 1525, G replaced by T.
Protein change: p.Ala509Ser; replaces alanine 509 with serine.
Molecular consequence: missense variant. On other transcripts: non-coding transcript variant (1), intron variant (2).
Genome position (GRCh38, 1-based): chr1:5,907,201, C>A on the plus strand (G>T on the coding strand, the complement: NPHP4 is on the minus strand). VCF-style: chr1-5907201-C-A. GRCh37 (hg19) VCF-style: chr1-5967261-C-A.
Other names: c.76-1418G>T (NM_001291594.2); c.76-1421G>T (NM_001291593.2); short protein forms A509S.
Identifiers: ClinVar variation 2091213 (VCV002091213.4), dbSNP rs1479224696, ClinGen allele CA338057062.